The following is an entry in ClinVar:

ClinVar aggregate classification (germline): Benign (1 of 4 stars; one submission).

Allele frequency attached by ClinVar (database versions not stated): 1000 Genomes Project 30x 0.40678; 1000 Genomes Project 0.41114; TOPMed 0.43067; gnomAD 0.43516 and 0.44194.
gnomAD v4.1: 67,212 of 151,964 alleles (44%); highest among the groups gnomAD compares: South Asian, 56%; 16,416 homozygotes.

Submission:

GeneDx
Classification: Benign. Last evaluated: 2020-04-29. Review status: criteria provided, single submitter. Criteria: GeneDx Variant Classification Process June 2021. Collection method: clinical testing. Allele origin: germline. Affected: yes.
Comment: This variant is associated with the following publications: (PMID: 31773361)

NM_001006617.3(MAPKAP1):c.498+12942C>G

Gene: MAPKAP1 (MAPK associated protein 1; minus strand). Cytogenetic location: 9q33.3.
Variant type: single nucleotide variant.
Coding change: c.498+12942C>G on transcript NM_001006617.3 (MANE Select); 12942 bases into the intron after coding-DNA position 498, C replaced by G.
Molecular consequence: intron variant.
Genome position (GRCh38, 1-based): chr9:125,644,709, G>C on the plus strand (C>G on the coding strand, the complement: MAPKAP1 is on the minus strand). VCF-style: chr9-125644709-G-C. GRCh37 (hg19) VCF-style: chr9-128406988-G-C.
Other names: c.-79+12942C>G (NM_001006621.2, NM_001006620.2); c.498+12942C>G (NM_024117.4, NM_001006619.2, NM_001006618.2).
Identifiers: ClinVar variation 1277692 (VCV001277692.1), dbSNP rs473426, ClinGen allele CA13038761.
Genomic context (GRCh38, chr9:125,644,709, plus strand): 5'-TTAAAAGGTTACTTTAATGTGAATAATAGCCTCCCAATATACTCAAGTTAATTACTATTG[G>C]AAACTGGTTCTATTTTAATTTAATGCTGAACGCTTAATGAAGGATCTGCCGGGGTAGCAA-3'